The following is an entry in ClinVar:

ClinVar aggregate classification (germline): Uncertain significance. Review status: criteria provided, multiple submitters, no conflicts (2 of 4 stars). 2 submissions from 2 submitters: Uncertain significance (2). Last evaluated 2025-05-30.

Submissions (2):

GeneDx
Classification: Uncertain significance. Last evaluated: 2025-05-30. Review status: criteria provided, single submitter. Criteria: GeneDx Variant Classification Process June 2021. Collection method: clinical testing. Allele origin: germline. Affected: yes.
Comment: Not observed in large population cohorts (gnomAD); In silico analysis, which includes protein predictors and evolutionary conservation, supports a deleterious effect; Has not been previously published as pathogenic or benign to our knowledge

Labcorp Genetics (formerly Invitae), Labcorp
Classification: Uncertain significance. Last evaluated: 2021-04-27. Review status: criteria provided, single submitter. Criteria: Invitae Variant Classification Sherloc (09022015). Collection method: clinical testing. Allele origin: germline.
Comment: In summary, the available evidence is currently insufficient to determine the role of this variant in disease. Therefore, it has been classified as a Variant of Uncertain Significance. Algorithms developed to predict the effect of missense changes on protein structure and function are either unavailable or do not agree on the potential impact of this missense change (SIFT: "Deleterious"; PolyPhen-2: "Not Available"; Align-GVGD: "Class C0"). This variant has not been reported in the literature in individuals with CLTC-related conditions. This variant is not present in population databases (ExAC no frequency). This sequence change replaces alanine with threonine at codon 68 of the CLTC protein (p.Ala68Thr). The alanine residue is moderately conserved and there is a small physicochemical difference between alanine and threonine.

NM_004859.4(CLTC):c.202G>A (p.Ala68Thr)

Gene: CLTC (clathrin heavy chain; plus strand). Cytogenetic location: 17q23.1.
Variant type: single nucleotide variant.
Coding change: c.202G>A on transcript NM_004859.4 (MANE Select); coding-DNA position 202, G replaced by A.
Protein change: p.Ala68Thr; replaces alanine 68 with threonine.
Molecular consequence: missense variant.
Genome position (GRCh38, 1-based): chr17:59,644,435, G>A. VCF-style: chr17-59644435-G-A. GRCh37 (hg19) VCF-style: chr17-57721796-G-A.
Other names: c.202G>A, p.Ala68Thr (NM_001288653.2); short protein forms A68T.
Identifiers: ClinVar variation 1305974 (VCV001305974.10), dbSNP rs2143497090, ClinGen allele CA400419002.